The following is an entry in ClinVar:

ClinVar aggregate classification (germline): Uncertain significance (1 of 4 stars; one submission).

Conditions:
2-aminoadipic 2-oxoadipic aciduria (AAKAD). Also called: ALPHA-AMINOADIPIC AND ALPHA-KETOADIPIC ACIDURIA; Aminoadipic aciduria. Identifiers: Orphanet 79154, MedGen C1859817, MONDO:0008774, OMIM 204750.

Submission:

Labcorp Genetics (formerly Invitae), Labcorp
Classification: Uncertain significance for 2-aminoadipic 2-oxoadipic aciduria. Last evaluated: 2022-06-22. Review status: criteria provided, single submitter. Criteria: Invitae Variant Classification Sherloc (09022015). Collection method: clinical testing. Allele origin: germline.
Comment: This sequence change replaces glutamic acid, which is acidic and polar, with glycine, which is neutral and non-polar, at codon 39 of the DHTKD1 protein (p.Glu39Gly). This variant is not present in population databases (gnomAD no frequency). This variant has not been reported in the literature in individuals affected with DHTKD1-related conditions. Algorithms developed to predict the effect of missense changes on protein structure and function output the following: SIFT: "Tolerated"; PolyPhen-2: "Benign"; Align-GVGD: "Class C0". The glycine amino acid residue is found in multiple mammalian species, which suggests that this missense change does not adversely affect protein function. In summary, the available evidence is currently insufficient to determine the role of this variant in disease. Therefore, it has been classified as a Variant of Uncertain Significance.

NM_018706.7(DHTKD1):c.116A>G (p.Glu39Gly)

Genes: DHTKD1 (dehydrogenase E1 and transketolase domain containing 1; plus strand), LOC130003343 (ATAC-STARR-seq lymphoblastoid silent region 2137; plus strand). Cytogenetic location: 10p14.
Variant type: single nucleotide variant.
Coding change: c.116A>G on transcript NM_018706.7 (MANE Select); coding-DNA position 116, A replaced by G.
Protein change: p.Glu39Gly; replaces glutamic acid 39 with glycine.
Molecular consequence: missense variant.
Genome position (GRCh38, 1-based): chr10:12,069,149, A>G. VCF-style: chr10-12069149-A-G. GRCh37 (hg19) VCF-style: chr10-12111148-A-G.
Other names: short protein forms E39G.
Identifiers: ClinVar variation 2009044 (VCV002009044.4), dbSNP rs1426707768, ClinGen allele CA376012045.